The following is an entry in ClinVar:

ClinVar aggregate classification (germline): Likely benign. Review status: criteria provided, multiple submitters, no conflicts (2 of 4 stars). 4 submissions from 4 submitters: Likely benign (4). Last evaluated 2025-12-17.

Conditions:
Pallister-Hall syndrome (PHS). Also called: GLI3-Related Pallister-Hall Syndrome; HYPOTHALAMIC HAMARTOBLASTOMA, HYPOPITUITARISM, IMPERFORATE ANUS, AND POSTAXIAL POLYDACTYLY. Identifiers: Orphanet 672, MedGen C0265220, MONDO:0007804, OMIM 146510.
Greig cephalopolysyndactyly syndrome (GCPS). Also called: Greig syndrome; GLI3-Related Greig Cephalopolysyndactyly Syndrome; POLYSYNDACTYLY WITH PECULIAR SKULL SHAPE. Identifiers: Orphanet 380, MedGen C0265306, MONDO:0008287, OMIM 175700.

Allele frequency attached by ClinVar (database versions not stated): TOPMed 0.00013; ESP Exome Variant Server 0.00015; gnomAD 0.00017 and 0.00018; gnomAD exomes 0.00022 and 0.00023; ExAC 0.00023.
gnomAD v4.1: 354 of 1,611,664 alleles (0.022%); highest among the groups gnomAD compares: Non-Finnish European, 0.023%; no homozygotes.

Submissions (4):

Labcorp Genetics (formerly Invitae), Labcorp
Classification: Likely benign for Pallister-Hall syndrome; Greig cephalopolysyndactyly syndrome. Last evaluated: 2025-12-17. Review status: criteria provided, single submitter. Criteria: Invitae Variant Classification Sherloc (09022015). Collection method: clinical testing. Allele origin: germline.

Laboratory of Genetics, Children's Clinical University Hospital Latvia
Classification: Likely benign. Last evaluated: 2025-02-16. Review status: criteria provided, single submitter. Criteria: ACMG Guidelines, 2015. Collection method: clinical testing. Allele origin: germline. Affected: yes.

Blueprint Genetics
Classification: Likely benign. Last evaluated: 2024-07-08. Review status: criteria provided, single submitter. Criteria: ACMG Guidelines, 2015. Collection method: clinical testing. Allele origin: germline.

CeGaT Center for Human Genetics Tuebingen
Classification: Likely benign. Last evaluated: 2022-06-01. Review status: criteria provided, single submitter. Criteria: CeGaT Center For Human Genetics Tuebingen Variant Classification Criteria Version 2. Collection method: clinical testing. Allele origin: germline. Affected: yes. Observed: 1 variant allele.
Comment: GLI3: BS1

NM_000168.6(GLI3):c.565C>T (p.Pro189Ser)

Gene: GLI3 (GLI family zinc finger 3; minus strand). Cytogenetic location: 7p14.1.
Variant type: single nucleotide variant.
Coding change: c.565C>T on transcript NM_000168.6 (MANE Select); coding-DNA position 565, C replaced by T.
Protein change: p.Pro189Ser; replaces proline 189 with serine.
Molecular consequence: missense variant.
Genome position (GRCh38, 1-based): chr7:42,048,605, G>A on the plus strand (C>T on the coding strand, the complement: GLI3 is on the minus strand). VCF-style: chr7-42048605-G-A. GRCh37 (hg19) VCF-style: chr7-42088204-G-A.
Other names: short protein forms P189S.
Identifiers: ClinVar variation 704620 (VCV000704620.41), dbSNP rs201940674, ClinGen allele CA4231144.
Genomic context (GRCh38, chr7:42,048,605, plus strand): 5'-TGTGCAAGGAGCGGATATAGTCCATGTAGGGATTAATGTAGGGATGTGGAGGGCTGAAGG[G>A]AGACTCGGAAGCAGCAGTGGGGTTCCGGTGTGGGGAGATCCTAATGAAGGGCAGGTCCGG-3'
Protein context (NP_000159.3, residues 179-199): HRNPTAASES[Pro189Ser]FSPPHPYINP